The following is an entry in ClinVar:

NM_000501.4(ELN):c.1747+93C>T

Genes: ELN (elastin; plus strand), ELN-AS1 (ELN antisense RNA 1; minus strand). Cytogenetic location: 7q11.23.
Variant type: single nucleotide variant.
Coding change: c.1747+93C>T on transcript NM_000501.4 (MANE Select); 93 bases into the intron after coding-DNA position 1747, C replaced by T.
Molecular consequence: intron variant. On other transcripts: missense variant (1).
Genome position (GRCh38, 1-based): chr7:74,060,594, C>T. VCF-style: chr7-74060594-C-T. GRCh37 (hg19) VCF-style: chr7-73474924-C-T.
Other names: c.1927C>T, p.Pro643Ser (NM_001278939.2); c.1762+93C>T (NM_001081754.3); c.1705+93C>T (NM_001081753.3); c.1765+93C>T (NM_001278915.2); c.1747+93C>T (NM_001278912.2); c.1690+93C>T (NM_001081755.3); c.1603+93C>T (NM_001278916.2); c.1504+93C>T (NM_001278913.2); and 4 more; short protein forms P643S.
Identifiers: ClinVar variation 2985340 (VCV002985340.3), dbSNP rs1554683829, ClinGen allele CA367887520.

ClinVar aggregate classification (germline): Uncertain significance (1 of 4 stars; one submission).

Conditions:
Supravalvar aortic stenosis (SVAS). Also called: Supravalvar aortic stenosis, Eisenberg type. Identifiers: Orphanet 3193, MedGen C0003499, MONDO:0008504, OMIM 185500, HP:0004381.

Allele frequency attached by ClinVar (database versions not stated): gnomAD exomes below 0.00001.
gnomAD v4.1: 1 of 1,596,376 alleles (0.000063%); highest among the groups gnomAD compares: Admixed American, 0.0018%; no homozygotes.

Submission:

Labcorp Genetics (formerly Invitae), Labcorp
Classification: Uncertain significance for Supravalvar aortic stenosis. Last evaluated: 2023-01-20. Review status: criteria provided, single submitter. Criteria: Invitae Variant Classification Sherloc (09022015). Collection method: clinical testing. Allele origin: germline.
Comment: In summary, the available evidence is currently insufficient to determine the role of this variant in disease. Therefore, it has been classified as a Variant of Uncertain Significance. Algorithms developed to predict the effect of missense changes on protein structure and function are either unavailable or do not agree on the potential impact of this missense change (SIFT: "Deleterious"; PolyPhen-2: "Not Available"; Align-GVGD: "Class C0"). This variant has not been reported in the literature in individuals affected with ELN-related conditions. This variant is present in population databases (no rsID available, gnomAD 0.004%). This sequence change replaces proline, which is neutral and non-polar, with serine, which is neutral and polar, at codon 643 of the ELN protein (p.Pro643Ser).